The following is an entry in ClinVar:

NM_000055.4(BCHE):c.1027dup (p.Thr343fs)

Gene: BCHE (butyrylcholinesterase; minus strand). Cytogenetic location: 3q26.1.
Variant type: Duplication.
Coding change: c.1027dup on transcript NM_000055.4 (MANE Select); coding-DNA position 1027, one base duplicated (A; older notation c.1027dupA).
Protein change: p.Thr343fs; shifts the reading frame from threonine 343.
Molecular consequence: frameshift variant. On other transcripts: non-coding transcript variant (1).
Genome position (GRCh38, 1-based): chr3:165,830,007, T duplicated on the plus strand (A on the coding strand, the reverse complement: BCHE is on the minus strand); the first of 7 consecutive T bases (chr3:165,830,007-165,830,013); duplicating any one gives the same sequence. VCF-style (leftmost placement, unchanged base first): chr3-165830006-G-GT. GRCh37 (hg19) VCF-style: chr3-165547794-G-GT.
Other names: c.1027dupA (NM_000055.4); short protein forms T343fs.
Identifiers: ClinVar variation 370302 (VCV000370302.7), dbSNP rs754214624, ClinGen allele CA2692387.

ClinVar aggregate classification (germline): Pathogenic/Likely pathogenic. Review status: criteria provided, multiple submitters, no conflicts (2 of 4 stars). 3 submissions from 3 submitters: Pathogenic (1); Likely pathogenic (1). 1 of the submissions does not count toward it. Last evaluated 2024-01-15.

Conditions:
Deficiency of butyrylcholinesterase (BCHED). Also called: Acholinesterasemia; Deficiency of butyrylcholine esterase; Butyrylcholinesterase deficiency; BCHE, silent 1. Identifiers: Orphanet 132, MedGen C1283400, MONDO:0015270, OMIM 617936.

Submissions (3):

Women's Health and Genetics/Laboratory Corporation of America, LabCorp
Classification: Pathogenic for Deficiency of butyrylcholinesterase. Last evaluated: 2024-01-15. Review status: criteria provided, single submitter. Criteria: LabCorp Variant Classification Summary - May 2015. Collection method: clinical testing. Allele origin: germline.
Comment: Variant summary: BCHE c.1027dupA (p.Thr343AsnfsX8) results in a premature termination codon, predicted to cause a truncation of the encoded protein or absence of the protein due to nonsense mediated decay, which are commonly known mechanisms for disease. The variant allele was found at a frequency of 9.6e-05 in 249444 control chromosomes. This frequency is not significantly higher than estimated for a pathogenic variant in BCHE causing Deficiency Of Butyrylcholine Esterase (9.6e-05 vs 0.016), allowing no conclusion about variant significance. c.1027dupA has been reported in the literature in the compound heterozygous state in at least one individual affected with hypocholinesterasemia (e.g. Iida_1995). To our knowledge, no experimental evidence demonstrating an impact on protein function has been reported. The following publication has been ascertained in the context of this evaluation (PMID: 8680411). ClinVar contains an entry for this variant (Variation ID: 370302). Based on the evidence outlined above, the variant was classified as pathogenic.

Juno Genomics, Hangzhou Juno Genomics, Inc
Classification: Likely pathogenic for Deficiency of butyrylcholinesterase. Review status: criteria provided, single submitter. Criteria: ACMG Guidelines, 2015. Collection method: clinical testing. Allele origin: germline. Affected: yes.
Comment: Absent from controls (or at extremely low frequency if recessive) in Genome Aggregation Database, Exome Sequencing Project, 1000 Genomes Project, or Exome Aggregation Consortium.;Null variant in a gene where loss of function (LOF) is a known mechanism of disease.

Counsyl
Classification: Likely pathogenic. Last evaluated: 2016-01-05. Review status: no assertion criteria provided. Collection method: clinical testing. Allele origin: unknown. Not counted in ClinVar's aggregate classification.

Literature cited by the submitters: PubMed 8680411 (cited by Women's Health and Genetics/Laboratory Corporation of America, LabCorp and Counsyl).